The following is an entry in ClinVar:

NM_006230.4(POLD2):c.545C>T (p.Ala182Val)

Gene: POLD2 (DNA polymerase delta 2, accessory subunit; minus strand). Cytogenetic location: 7p13.
Variant type: single nucleotide variant.
Coding change: c.545C>T on transcript NM_006230.4 (MANE Select); coding-DNA position 545, C replaced by T.
Protein change: p.Ala182Val; replaces alanine 182 with valine.
Molecular consequence: missense variant.
Genome position (GRCh38, 1-based): chr7:44,117,169, G>A on the plus strand (C>T on the coding strand, the complement: POLD2 is on the minus strand). VCF-style: chr7-44117169-G-A. GRCh37 (hg19) VCF-style: chr7-44156768-G-A.
Other names: c.545C>T, p.Ala182Val (NM_001127218.3, NM_001256879.2); short protein forms A182V.
Identifiers: ClinVar variation 2787013 (VCV002787013.3), dbSNP rs762758628, ClinGen allele CA4238817.

ClinVar aggregate classification (germline): Uncertain significance (1 of 4 stars; one submission).

Allele frequency attached by ClinVar (database versions not stated): gnomAD exomes below 0.00001; ExAC 0.00001; gnomAD 0.00001; TOPMed 0.00001.
gnomAD v4.1: 8 of 1,613,964 alleles (0.0005%); highest among the groups gnomAD compares: African/African-American, 0.0013%; no homozygotes.

Submission:

Labcorp Genetics (formerly Invitae), Labcorp
Classification: Uncertain significance. Last evaluated: 2023-11-10. Review status: criteria provided, single submitter. Criteria: Invitae Variant Classification Sherloc (09022015). Collection method: clinical testing. Allele origin: germline.
Comment: This sequence change replaces alanine, which is neutral and non-polar, with valine, which is neutral and non-polar, at codon 217 of the POLD2 protein (p.Ala217Val). This variant is present in population databases (rs762758628, gnomAD 0.007%). This variant has not been reported in the literature in individuals affected with POLD2-related conditions. Experimental studies and prediction algorithms are not available or were not evaluated, and the functional significance of this variant is currently unknown. In summary, the available evidence is currently insufficient to determine the role of this variant in disease. Therefore, it has been classified as a Variant of Uncertain Significance.